The following is an entry in ClinVar:

NM_001165963.4(SCN1A):c.4815T>A (p.Asn1605Lys)

Genes: SCN1A (sodium voltage-gated channel alpha subunit 1; minus strand), LOC102724058 (uncharacterized LOC102724058; plus strand). Cytogenetic location: 2q24.3.
Variant type: single nucleotide variant.
Coding change: c.4815T>A on transcript NM_001165963.4 (MANE Select); coding-DNA position 4815, T replaced by A.
Protein change: p.Asn1605Lys; replaces asparagine 1605 with lysine.
Molecular consequence: missense variant. On other transcripts: non-coding transcript variant (1).
Genome position (GRCh38, 1-based): chr2:165,994,183, A>T on the plus strand (T>A on the coding strand, the complement: SCN1A is on the minus strand). VCF-style: chr2-165994183-A-T. GRCh37 (hg19) VCF-style: chr2-166850693-A-T.
Other names: c.4731T>A, p.Asn1577Lys (NM_001165964.3, NM_001353957.2, NM_001353958.2); c.4815T>A, p.Asn1605Lys (NM_001202435.3, NM_001353948.2); c.4782T>A, p.Asn1594Lys (NM_001353949.2, NM_001353950.2, NM_001353951.2 and 2 more transcripts); c.4779T>A, p.Asn1593Lys (NM_001353954.2, NM_001353955.2); c.4728T>A, p.Asn1576Lys (NM_001353960.2); c.2373T>A, p.Asn791Lys (NM_001353961.2); short protein forms N1576K, N1577K, N1593K, N1594K, N1605K, N791K.
Identifiers: ClinVar variation 4682181 (VCV004682181.1).

ClinVar aggregate classification (germline): Uncertain significance (1 of 4 stars; one submission).

Submission:

Athena Diagnostics
Classification: Uncertain significance. Last evaluated: 2025-03-24. Review status: criteria provided, single submitter. Criteria: Athena Diagnostics Criteria. Collection method: clinical testing. Allele origin: unknown.
Comment: Available data are insufficient to determine the clinical significance of the variant at this time. This variant has not been reported in large, multi-ethnic general populations. Polyphen and MutationTaster predict this amino acid change may be damaging to the protein. At least one other missense variant at this codon is considered to be pathogenic or likely pathogenic, suggesting this variant may also cause disease.